The following is an entry in ClinVar:

NM_002691.4(POLD1):c.694C>A (p.Arg232Ser)

Gene: POLD1 (DNA polymerase delta 1, catalytic subunit; plus strand). Cytogenetic location: 19q13.33.
Variant type: single nucleotide variant.
Coding change: c.694C>A on transcript NM_002691.4 (MANE Select); coding-DNA position 694, C replaced by A.
Protein change: p.Arg232Ser; replaces arginine 232 with serine.
Molecular consequence: missense variant. On other transcripts: non-coding transcript variant (1).
Genome position (GRCh38, 1-based): chr19:50,402,309, C>A. VCF-style: chr19-50402309-C-A. GRCh37 (hg19) VCF-style: chr19-50905566-C-A.
Other names: c.694C>A (NM_002691.2); c.694C>A, p.Arg232Ser (NM_001256849.1, NM_001308632.1); short protein forms R232S.
Identifiers: ClinVar variation 2118292 (VCV002118292.5), dbSNP rs774789534, ClinGen allele CA406974385.
Genomic context (GRCh38, chr19:50,402,309, plus strand): 5'-ATCACCGTGGCGCTGCCGCGCCTCGTGGCCCCGGCCCGCCGTCTCCTGGAACAGGGCATC[C>A]GTGTGGCAGGCCTGGGCACGCCCAGCTTCGCGCCCTACGAGGCCAACGTCGACTTTGAGA-3'
Protein context (NP_002682.2, residues 222-242): PARRLLEQGI[Arg232Ser]VAGLGTPSFA

ClinVar aggregate classification (germline): Uncertain significance. Review status: criteria provided, multiple submitters, no conflicts (2 of 4 stars). 2 submissions from 2 submitters: Uncertain significance (2). Last evaluated 2023-12-29.

Conditions:
POLD1-related polyposis and colorectal cancer syndrome (CRCS10). Also called: Colorectal cancer 10; COLORECTAL CANCER, SUSCEPTIBILITY TO, ON CHROMOSOME 19q; Colorectal cancer, susceptibility to, 10. Identifiers: Orphanet 220460, MedGen C2675481, MONDO:0012953, OMIM 612591.
Hereditary cancer-predisposing syndrome. Also called: Tumor predisposition; Neoplastic Syndromes, Hereditary; Hereditary Cancer Syndrome; Hereditary neoplastic syndrome. Identifiers: Orphanet 140162, MedGen C0027672, MeSH D009386, MONDO:0015356.

Submissions (2):

Ambry Genetics
Classification: Uncertain significance for Hereditary cancer-predisposing syndrome. Last evaluated: 2023-12-29. Review status: criteria provided, single submitter. Criteria: Ambry Variant Classification Scheme 2023. Collection method: clinical testing. Allele origin: germline.
Comment: The p.R232S variant (also known as c.694C>A), located in coding exon 5 of the POLD1 gene, results from a C to A substitution at nucleotide position 694. The arginine at codon 232 is replaced by serine, an amino acid with dissimilar properties. This amino acid position is conserved. In addition, this alteration is predicted to be tolerated by in silico analysis. Since supporting evidence is limited at this time, the clinical significance of this alteration remains unclear.

Labcorp Genetics (formerly Invitae), Labcorp
Classification: Uncertain significance for POLD1-related polyposis and colorectal cancer syndrome. Last evaluated: 2022-03-27. Review status: criteria provided, single submitter. Criteria: Invitae Variant Classification Sherloc (09022015). Collection method: clinical testing. Allele origin: germline.
Comment: In summary, the available evidence is currently insufficient to determine the role of this variant in disease. Therefore, it has been classified as a Variant of Uncertain Significance. Algorithms developed to predict the effect of missense changes on protein structure and function (SIFT, PolyPhen-2, Align-GVGD) all suggest that this variant is likely to be tolerated. This variant has not been reported in the literature in individuals affected with POLD1-related conditions. This variant is not present in population databases (gnomAD no frequency). This sequence change replaces arginine, which is basic and polar, with serine, which is neutral and polar, at codon 232 of the POLD1 protein (p.Arg232Ser).